The following is an entry in ClinVar:

ClinVar aggregate classification (germline): Uncertain significance (1 of 4 stars; one submission).

Allele frequency attached by ClinVar (database versions not stated): TOPMed below 0.00001.

Submission:

Labcorp Genetics (formerly Invitae), Labcorp
Classification: Uncertain significance. Last evaluated: 2020-12-20. Review status: criteria provided, single submitter. Criteria: Invitae Variant Classification Sherloc (09022015). Collection method: clinical testing. Allele origin: germline.
Comment: In summary, the available evidence is currently insufficient to determine the role of this variant in disease. Therefore, it has been classified as a Variant of Uncertain Significance. Algorithms developed to predict the effect of missense changes on protein structure and function output the following: SIFT: "Tolerated"; PolyPhen-2: "Benign"; Align-GVGD: "Class C0". The lysine amino acid residue is found in multiple mammalian species, suggesting that this missense change does not adversely affect protein function. These predictions have not been confirmed by published functional studies and their clinical significance is uncertain. This variant has not been reported in the literature in individuals with VCAN-related conditions. This variant is not present in population databases (ExAC no frequency). This sequence change replaces glutamine with lysine at codon 626 of the VCAN protein (p.Gln626Lys). The glutamine residue is moderately conserved and there is a small physicochemical difference between glutamine and lysine.

NM_004385.5(VCAN):c.1876C>A (p.Gln626Lys)

Gene: VCAN (versican; plus strand). Cytogenetic location: 5q14.3.
Variant type: single nucleotide variant.
Coding change: c.1876C>A on transcript NM_004385.5 (MANE Select); coding-DNA position 1876, C replaced by A.
Protein change: p.Gln626Lys; replaces glutamine 626 with lysine.
Molecular consequence: missense variant. On other transcripts: intron variant (2).
Genome position (GRCh38, 1-based): chr5:83,520,182, C>A. VCF-style: chr5-83520182-C-A. GRCh37 (hg19) VCF-style: chr5-82816001-C-A.
Other names: c.1876C>A, p.Gln626Lys (NM_001164098.2); c.1042+7786C>A (NM_001164097.2, NM_001126336.3); short protein forms Q626K.
Identifiers: ClinVar variation 1460710 (VCV001460710.8), dbSNP rs1746025348, ClinGen allele CA360302061.